The following is an entry in ClinVar:

NC_000016.9:g.(?_89842130)_(89874795_?)del

Gene: FANCA (FA complementation group A; minus strand). Cytogenetic location: 16q24.3.
Variant type: Deletion.
Identifiers: ClinVar variation 3243282 (VCV003243282.1).

ClinVar aggregate classification (germline): Pathogenic (1 of 4 stars; one submission).

Conditions:
Fanconi anemia (FA). Also called: Fanconi's anemia. Identifiers: Orphanet 84, MedGen C0015625, MeSH D005199, MONDO:0019391.

Submission:

Labcorp Genetics (formerly Invitae), Labcorp
Classification: Pathogenic for Fanconi anemia. Last evaluated: 2023-09-01. Review status: criteria provided, single submitter. Criteria: Invitae Variant Classification Sherloc (09022015). Collection method: clinical testing. Allele origin: unknown.
Comment: This variant is a gross deletion of the genomic region encompassing exon(s) 6-21 of the FANCA gene. This deletion is out-of-frame, and is expected to create a premature termination codon and result in an absent or disrupted protein product. Loss-of-function variants in FANCA are known to be pathogenic (PMID: 19367192). This variant has not been reported in the literature in individuals affected with FANCA-related conditions. For these reasons, this variant has been classified as Pathogenic.

Literature cited by the submitters: PubMed 19367192.